The following is an entry in ClinVar:

NM_001458.5(FLNC):c.4570G>A (p.Val1524Met)

Gene: FLNC (filamin C; plus strand). Cytogenetic location: 7q32.1.
Variant type: single nucleotide variant.
Coding change: c.4570G>A on transcript NM_001458.5 (MANE Select); coding-DNA position 4570, G replaced by A.
Protein change: p.Val1524Met; replaces valine 1524 with methionine.
Molecular consequence: missense variant.
Genome position (GRCh38, 1-based): chr7:128,848,058, G>A. VCF-style: chr7-128848058-G-A. GRCh37 (hg19) VCF-style: chr7-128488112-G-A.
Other names: c.4570G>A, p.Val1524Met (NM_001127487.2); short protein forms V1524M.
Identifiers: ClinVar variation 539359 (VCV000539359.9), dbSNP rs1358403336, ClinGen allele CA369202036.

ClinVar aggregate classification (germline): Uncertain significance (1 of 4 stars; one submission).

Conditions:
Distal myopathy with posterior leg and anterior hand involvement. Also called: WILLIAMS DISTAL MYOPATHY. Identifiers: Orphanet 63273, MedGen C3279722, MONDO:0013550, OMIM 614065.
Myofibrillar myopathy 5. Also called: Filaminopathy (type); FILAMINOPATHY, AUTOSOMAL DOMINANT. Identifiers: Orphanet 171445, MedGen C1836050, MONDO:0012289, OMIM 609524.
Hypertrophic cardiomyopathy 26. Also called: Cardiomyopathy, familial hypertrophic, 26. Identifiers: Orphanet 75249, MedGen C4310749, MONDO:0014883, OMIM 617047.

Allele frequency attached by ClinVar (database versions not stated): gnomAD exomes below 0.00001.
gnomAD v4.1: 1 of 1,604,444 alleles (0.000062%); highest among the groups gnomAD compares: African/African-American, 0.0013%; no homozygotes.

Submission:

Labcorp Genetics (formerly Invitae), Labcorp
Classification: Uncertain significance for Distal myopathy with posterior leg and anterior hand involvement; Myofibrillar myopathy 5; Hypertrophic cardiomyopathy 26. Last evaluated: 2017-10-24. Review status: criteria provided, single submitter. Criteria: Invitae Variant Classification Sherloc (09022015). Collection method: clinical testing. Allele origin: germline.
Comment: Algorithms developed to predict the effect of missense changes on protein structure and function do not agree on the potential impact of this missense change (SIFT: "Deleterious"; PolyPhen-2: "Probably Damaging"; Align-GVGD: "Class C0"). In summary, the available evidence is currently insufficient to determine the role of this variant in disease. Therefore, it has been classified as a Variant of Uncertain Significance. This variant has not been reported in the literature in individuals with FLNC-related disease. This variant is not present in population databases (ExAC no frequency). This sequence change replaces valine with methionine at codon 1524 of the FLNC protein (p.Val1524Met). The valine residue is highly conserved and there is a small physicochemical difference between valine and methionine.